The following is an entry in ClinVar:

ClinVar aggregate classification (germline): Uncertain significance (1 of 4 stars; one submission).

Conditions:
Pancreatic adenocarcinoma. Identifiers: MedGen C0281361, MONDO:0006047, HP:0006725.

Submission:

Labcorp Genetics (formerly Invitae), Labcorp
Classification: Uncertain significance for Pancreatic adenocarcinoma. Last evaluated: 2025-12-24. Review status: criteria provided, single submitter. Criteria: Invitae Variant Classification Sherloc (09022015). Collection method: clinical testing. Allele origin: germline.
Comment: This sequence change falls in intron 4 of the PALLD gene. It does not directly change the encoded amino acid sequence of the PALLD protein. It affects a nucleotide within the consensus splice site. This variant is not present in population databases (gnomAD no frequency). This variant has not been reported in the literature in individuals affected with PALLD-related conditions. Variants that disrupt the consensus splice site are a relatively common cause of aberrant splicing (PMID: 17576681, 9536098). Algorithms developed to predict the effect of sequence changes on RNA splicing suggest that this variant may disrupt the consensus splice site. In summary, the available evidence is currently insufficient to determine the role of this variant in disease. Therefore, it has been classified as a Variant of Uncertain Significance.

Literature cited by the submitters: PubMed 17576681; PubMed 9536098.

NM_001166108.2(PALLD):c.2199+3A>G

Genes: CBR4 (carbonyl reductase 4; minus strand), PALLD (palladin, cytoskeletal associated protein; plus strand). Cytogenetic location: 4q32.3.
Variant type: single nucleotide variant.
Coding change: c.2199+3A>G on transcript NM_001166108.2 (MANE Select); 3 bases into the intron after coding-DNA position 2199, A replaced by G.
Molecular consequence: intron variant.
Genome position (GRCh38, 1-based): chr4:168,894,680, A>G. VCF-style: chr4-168894680-A-G. GRCh37 (hg19) VCF-style: chr4-169815831-A-G.
Other names: c.2199+3A>G (NM_016081.4); c.1053+3A>G (NM_001166109.2); c.738+3A>G (NM_001166110.2); c.78+3A>G (NM_001367570.1, NM_001367568.1, NM_001367567.1 and 1 more transcripts).
Identifiers: ClinVar variation 4763937 (VCV004763937.1).
Genomic context (GRCh38, chr4:168,894,680, plus strand): 5'-TGCTGACAGTGCAACTGTCTTTAATATTCAGGAGCCAGAAGAGGAAACAGCTAATCAGGT[A>G]CCATGTTGCTCTGGACTTCTTAGGGTAACATTTATTCTGTCCCCCTTTTCCATCTTCCTT-3'